The following is an entry in ClinVar:

ClinVar aggregate classification (germline): Likely benign. Review status: criteria provided, multiple submitters, no conflicts (2 of 4 stars). 2 submissions from 2 submitters: Likely benign (2). Last evaluated 2025-05-21.

Conditions:
Cohen syndrome (COH1). Also called: Cutis verticis gyrata, retinitis pigmentosa, and sensorineural deafness; PEPPER SYNDROME. Identifiers: Orphanet 193, MedGen C0265223, MONDO:0008999, OMIM 216550.
VPS13B-related disorder. Also called: VPS13B-related condition.

Allele frequency attached by ClinVar (database versions not stated): gnomAD exomes below 0.00001; gnomAD 0.00001; TOPMed 0.00001; 1000 Genomes Project 30x 0.00016.
gnomAD v4.1: 1 of 1,613,766 alleles (0.000062%); highest among the groups gnomAD compares: Non-Finnish European, 0.000085%; no homozygotes.

Submissions (2):

Labcorp Genetics (formerly Invitae), Labcorp
Classification: Likely benign for Cohen syndrome. Last evaluated: 2025-05-21. Review status: criteria provided, single submitter. Criteria: Invitae Variant Classification Sherloc (09022015). Collection method: clinical testing. Allele origin: germline.

PreventionGenetics, part of Exact Sciences
Classification: Likely benign for VPS13B-related condition. Last evaluated: 2025-02-04. Review status: criteria provided, single submitter. Criteria: ACMG Guidelines, 2015. Collection method: clinical testing. Allele origin: germline.
Comment: This variant is classified as likely benign based on ACMG/AMP sequence variant interpretation guidelines (Richards et al. 2015 PMID: 25741868, with internal and published modifications).

NM_152564.5(VPS13B):c.2475A>G (p.Ala825=)

Gene: VPS13B (vacuolar protein sorting 13 homolog B; plus strand). Cytogenetic location: 8q22.2.
Variant type: single nucleotide variant.
Coding change: c.2475A>G on transcript NM_152564.5 (MANE Select); coding-DNA position 2475, A replaced by G.
Protein change: p.Ala825=; no amino-acid change (alanine 825 retained).
Molecular consequence: synonymous variant.
Genome position (GRCh38, 1-based): chr8:99,193,017, A>G. VCF-style: chr8-99193017-A-G. GRCh37 (hg19) VCF-style: chr8-100205245-A-G.
Other names: c.2475A>G (NM_152564.4); c.2475A>G, p.Ala825= (NM_015243.3, NM_017890.5).
Identifiers: ClinVar variation 1135393 (VCV001135393.10), dbSNP rs1334203745, ClinGen allele CA462421372.
Genomic context (GRCh38, chr8:99,193,017, plus strand): 5'-ACTTCTCTTGCAAGCAATATATCAAAGTTGGTCTCATCTTGGAAATGTCAGCTCTTCCGC[A>G]GTGATTGAAGCTTTGATAAATGAAATCTTCCTAAGTATAGGTAAGAGCACAGTCTTTTTG-3'
Protein context (NP_689777.3, residues 815-835): WSHLGNVSSS[Ala825=]VIEALINEIF